The following is an entry in ClinVar:

ClinVar aggregate classification (germline): Uncertain significance (1 of 4 stars; one submission).

Conditions:
Jeune thoracic dystrophy. Also called: Short-rib thoracic dysplasia; Jeune syndrome; Infantile thoracic dystrophy; Thoracic pelvic phalangeal dystrophy; Jeune's syndrome; Chondroectodermal dysplasia-like syndrome. Identifiers: Orphanet 474, MedGen C0265275, MONDO:0018770.

Allele frequency attached by ClinVar (database versions not stated): gnomAD 0.00001; TOPMed 0.00001; ExAC 0.00002; gnomAD exomes 0.00002.
gnomAD v4.1: 10 of 1,612,342 alleles (0.00062%); highest among the groups gnomAD compares: Non-Finnish European, 0.00085%; no homozygotes.

Submission:

Labcorp Genetics (formerly Invitae), Labcorp
Classification: Uncertain significance for Jeune thoracic dystrophy. Last evaluated: 2024-07-15. Review status: criteria provided, single submitter. Criteria: Invitae Variant Classification Sherloc (09022015). Collection method: clinical testing. Allele origin: germline.
Comment: This sequence change replaces lysine, which is basic and polar, with asparagine, which is neutral and polar, at codon 748 of the IFT80 protein (p.Lys748Asn). This variant is present in population databases (rs769905264, gnomAD 0.004%). This variant has not been reported in the literature in individuals affected with IFT80-related conditions. ClinVar contains an entry for this variant (Variation ID: 1402238). Advanced modeling of protein sequence and biophysical properties (such as structural, functional, and spatial information, amino acid conservation, physicochemical variation, residue mobility, and thermodynamic stability) performed at Invitae indicates that this missense variant is not expected to disrupt IFT80 protein function with a negative predictive value of 80%. In summary, the available evidence is currently insufficient to determine the role of this variant in disease. Therefore, it has been classified as a Variant of Uncertain Significance.

NM_020800.3(IFT80):c.2244A>T (p.Lys748Asn)

Genes: IFT80 (intraflagellar transport 80; minus strand), TRIM59-IFT80 (TRIM59-IFT80 readthrough (NMD candidate); minus strand). Cytogenetic location: 3q25.33.
Variant type: single nucleotide variant.
Coding change: c.2244A>T on transcript NM_020800.3 (MANE Select); coding-DNA position 2244, A replaced by T.
Protein change: p.Lys748Asn; replaces lysine 748 with asparagine.
Molecular consequence: missense variant. On other transcripts: non-coding transcript variant (3).
Genome position (GRCh38, 1-based): chr3:160,258,615, T>A on the plus strand (A>T on the coding strand, the complement: IFT80 is on the minus strand). VCF-style: chr3-160258615-T-A. GRCh37 (hg19) VCF-style: chr3-159976403-T-A.
Other names: c.1833A>T, p.Lys611Asn (NM_001190241.2, NM_001190242.2); short protein forms K748N, K611N.
Identifiers: ClinVar variation 1402238 (VCV001402238.6), dbSNP rs769905264, ClinGen allele CA2684921.